The following is an entry in ClinVar:

ClinVar aggregate classification (germline): Pathogenic (1 of 4 stars; one submission).

Submission:

ISCA Site 6
Classification: Pathogenic. Last evaluated: 2011-08-12. Review status: criteria provided, single submitter. Criteria: Kaminsky et al. (Genet Med. 2011). Collection method: clinical testing. Allele origin: unknown. Affected: yes. Observed: 1 variant allele.
Comment: Copy number variation identified through the course of routine clinical cytogenomic testing in postnatal populations. Clinical assertions have been curated as described in Kaminsky et al. 2011.

GRCh38/hg38 8p23.3-23.1(chr8:219853-10165486)x3

Genes: AGPAT5 (1-acylglycerol-3-phosphate O-acyltransferase 5; plus strand), ANGPT2 (angiopoietin 2; minus strand), ARHGEF10 (Rho guanine nucleotide exchange factor 10; plus strand), CLDN23 (claudin 23), CLN8 (CLN8 transmembrane ER and ERGIC protein; plus strand) and 253 more. Cytogenetic location: 8p23.3-23.1.
Variant type: copy number gain.
Change: copy number 3 (three copies instead of two) of chr8:219,853-10,165,486 (9.95 Mb, GRCh38 coordinates, 1-based), cytogenetic band 8p23.3-23.1.
Identifiers: ClinVar variation 59737 (VCV000059737.3).